The following is an entry in ClinVar:

ClinVar aggregate classification (germline): Likely benign. Review status: criteria provided, multiple submitters, no conflicts (2 of 4 stars). 4 submissions from 4 submitters: Likely benign (4). Last evaluated 2026-03-17.

Conditions:
Saldino-Mainzer syndrome (SRTD9). Also called: CONORENAL SYNDROME; SHORT-RIB THORACIC DYSPLASIA 9 WITHOUT POLYDACTYLY; short-rib thoracic dysplasia 9 with or without polydactyly; Renal dysplasia, retinal pigmentary dystrophy, cerebellar ataxia and skeletal dysplasia. Identifiers: Orphanet 140969, MedGen C1849437, MONDO:0009964, OMIM 266920.
IFT140-related disorder. Also called: IFT140-related condition.

Allele frequency attached by ClinVar (database versions not stated): gnomAD 0.00003; TOPMed 0.00005; ExAC 0.00007; gnomAD exomes 0.00007; ESP Exome Variant Server 0.00015.
gnomAD v4.1: 116 of 1,613,790 alleles (0.0072%); highest among the groups gnomAD compares: Middle Eastern, 0.033%; no homozygotes.

Submissions (4):

PreventionGenetics, part of Exact Sciences
Classification: Likely benign for IFT140-related condition. Last evaluated: 2026-03-17. Review status: criteria provided, single submitter. Criteria: ACMG Guidelines, 2015. Collection method: clinical testing. Allele origin: germline.
Comment: This variant is classified as likely benign based on ACMG/AMP sequence variant interpretation guidelines (Richards et al. 2015 PMID: 25741868, with internal and published modifications).

Labcorp Genetics (formerly Invitae), Labcorp
Classification: Likely benign for Saldino-Mainzer syndrome. Last evaluated: 2026-02-02. Review status: criteria provided, single submitter. Criteria: Invitae Variant Classification Sherloc (09022015). Collection method: clinical testing. Allele origin: germline.

CeGaT Center for Human Genetics Tuebingen
Classification: Likely benign. Last evaluated: 2025-07-01. Review status: criteria provided, single submitter. Criteria: CeGaT Center For Human Genetics Tuebingen Variant Classification Criteria Version 2. Collection method: clinical testing. Allele origin: germline. Affected: yes. Observed: 1 variant allele.
Comment: IFT140: BP4, BP7

Blueprint Genetics
Classification: Likely benign. Last evaluated: 2024-09-17. Review status: criteria provided, single submitter. Criteria: ACMG Guidelines, 2015. Collection method: clinical testing. Allele origin: germline.

NM_014714.4(IFT140):c.4158C>T (p.Tyr1386=)

Gene: IFT140 (intraflagellar transport 140; minus strand). Cytogenetic location: 16p13.3.
Variant type: single nucleotide variant.
Coding change: c.4158C>T on transcript NM_014714.4 (MANE Select); coding-DNA position 4158, C replaced by T.
Protein change: p.Tyr1386=; no amino-acid change (tyrosine 1386 retained).
Molecular consequence: synonymous variant.
Genome position (GRCh38, 1-based): chr16:1,518,240, G>A on the plus strand (C>T on the coding strand, the complement: IFT140 is on the minus strand). VCF-style: chr16-1518240-G-A. GRCh37 (hg19) VCF-style: chr16-1568241-G-A.
Identifiers: ClinVar variation 707488 (VCV000707488.20), dbSNP rs111494974, ClinGen allele CA7812890.